The following is an entry in ClinVar:

ClinVar aggregate classification (germline): Uncertain significance. Review status: criteria provided, multiple submitters, no conflicts (2 of 4 stars). 2 submissions from 2 submitters: Uncertain significance (2). Last evaluated 2023-07-21.

Conditions:
Familial thoracic aortic aneurysm and aortic dissection (TAAD). Also called: Thoracic aortic aneurysms and dissections. Identifiers: Orphanet 91387, MedGen C4707243, MONDO:0019625.

Allele frequency attached by ClinVar (database versions not stated): gnomAD exomes below 0.00001; ExAC 0.00003.
gnomAD v4.1: 1 of 1,607,898 alleles (0.000062%); highest among the groups gnomAD compares: Admixed American, 0.0017%; no homozygotes.

Submissions (2):

Women's Health and Genetics/Laboratory Corporation of America, LabCorp
Classification: Uncertain significance. Last evaluated: 2023-07-21. Review status: criteria provided, single submitter. Criteria: LabCorp Variant Classification Summary - May 2015. Collection method: clinical testing. Allele origin: germline.

Ambry Genetics
Classification: Uncertain significance for Familial thoracic aortic aneurysm and aortic dissection. Last evaluated: 2020-11-03. Review status: criteria provided, single submitter. Criteria: Ambry Variant Classification Scheme 2023. Collection method: clinical testing. Allele origin: germline.
Comment: The p.Y539H variant (also known as c.1615T>C), located in coding exon 15 of the PLOD1 gene, results from a T to C substitution at nucleotide position 1615. The tyrosine at codon 539 is replaced by histidine, an amino acid with similar properties. This amino acid position is highly conserved in available vertebrate species. In addition, this alteration is predicted to be deleterious by in silico analysis. Since supporting evidence is limited at this time, the clinical significance of this alteration remains unclear.

NM_000302.4(PLOD1):c.1615T>C (p.Tyr539His)

Gene: PLOD1 (procollagen-lysine,2-oxoglutarate 5-dioxygenase 1; plus strand). Cytogenetic location: 1p36.22.
Variant type: single nucleotide variant.
Coding change: c.1615T>C on transcript NM_000302.4 (MANE Select); coding-DNA position 1615, T replaced by C.
Protein change: p.Tyr539His; replaces tyrosine 539 with histidine.
Molecular consequence: missense variant.
Genome position (GRCh38, 1-based): chr1:11,966,281, T>C. VCF-style: chr1-11966281-T-C. GRCh37 (hg19) VCF-style: chr1-12026338-T-C.
Other names: c.1756T>C, p.Tyr586His (NM_001316320.2); short protein forms Y586H, Y539H.
Identifiers: ClinVar variation 1776482 (VCV001776482.3), dbSNP rs765311232, ClinGen allele CA598484.